The following is an entry in ClinVar:

NM_006939.4(SOS2):c.1824T>G (p.Ile608Met)

Gene: SOS2 (SOS Ras/Rho guanine nucleotide exchange factor 2; minus strand). Cytogenetic location: 14q21.3.
Variant type: single nucleotide variant.
Coding change: c.1824T>G on transcript NM_006939.4 (MANE Select); coding-DNA position 1824, T replaced by G.
Protein change: p.Ile608Met; replaces isoleucine 608 with methionine.
Molecular consequence: missense variant.
Genome position (GRCh38, 1-based): chr14:50,159,459, A>C on the plus strand (T>G on the coding strand, the complement: SOS2 is on the minus strand). VCF-style: chr14-50159459-A-C. GRCh37 (hg19) VCF-style: chr14-50626177-A-C.
Other names: c.1725T>G, p.Ile575Met (NM_001411020.1); short protein forms I575M, I608M.
Identifiers: ClinVar variation 3720775 (VCV003720775.2).
Genomic context (GRCh38, chr14:50,159,459, plus strand): 5'-CTAGGTCAGCAGTTGTAATGAGTTTCACATACCTGCATACATATGATATGTTAACCTTTC[A>C]ATTAATTTCACTACAGTTCCTCCTTTAATAATGGGGATGCCACTTCTACTTTGCAAGTTG-3'
Protein context (NP_008870.2, residues 598-618): IIKGGTVVKL[Ile608Met]ERLTYHMYAD

ClinVar aggregate classification (germline): Uncertain significance (1 of 4 stars; one submission).

Conditions:
Noonan syndrome 9 (NS9). Identifiers: Orphanet 648, MedGen C4225282, MONDO:0014691, OMIM 616559.

Submission:

Labcorp Genetics (formerly Invitae), Labcorp
Classification: Uncertain significance for Noonan syndrome 9. Last evaluated: 2024-12-16. Review status: criteria provided, single submitter. Criteria: Invitae Variant Classification Sherloc (09022015). Collection method: clinical testing. Allele origin: germline.
Comment: This sequence change replaces isoleucine, which is neutral and non-polar, with methionine, which is neutral and non-polar, at codon 608 of the SOS2 protein (p.Ile608Met). This variant is not present in population databases (gnomAD no frequency). This variant has not been reported in the literature in individuals affected with SOS2-related conditions. Invitae Evidence Modeling of protein sequence and biophysical properties (such as structural, functional, and spatial information, amino acid conservation, physicochemical variation, residue mobility, and thermodynamic stability) has been performed for this missense variant. However, the output from this modeling did not meet the statistical confidence thresholds required to predict the impact of this variant on SOS2 protein function. In summary, the available evidence is currently insufficient to determine the role of this variant in disease. Therefore, it has been classified as a Variant of Uncertain Significance.